The following is an entry in ClinVar:

NM_000360.4(TH):c.494G>A (p.Trp165Ter)

Gene: TH (tyrosine hydroxylase; minus strand). Cytogenetic location: 11p15.5.
Variant type: single nucleotide variant.
Coding change: c.494G>A on transcript NM_000360.4 (MANE Select); coding-DNA position 494, G replaced by A.
Protein change: p.Trp165Ter; replaces tryptophan 165 with a stop codon.
Molecular consequence: nonsense.
Genome position (GRCh38, 1-based): chr11:2,168,173, C>T on the plus strand (G>A on the coding strand, the complement: TH is on the minus strand). VCF-style: chr11-2168173-C-T. GRCh37 (hg19) VCF-style: chr11-2189403-C-T.
Other names: c.587G>A, p.Trp196Ter (NM_199292.3); c.575G>A, p.Trp192Ter (NM_199293.3); short protein forms W196*, W192*, W165*.
Identifiers: ClinVar variation 2872216 (VCV002872216.3), dbSNP rs2495817973, ClinGen allele CA379128675.

ClinVar aggregate classification (germline): Pathogenic (1 of 4 stars; one submission).

Conditions:
TH-deficient dopa-responsive dystonia. Also called: Tyrosine Hydroxylase-Deficient Dopa-Responsive Dystonia; Segawa syndrome, autosomal recessive; DYT-TH. Identifiers: Orphanet 101150, MedGen C2673535, MONDO:0011551, OMIM 605407.

Submission:

Labcorp Genetics (formerly Invitae), Labcorp
Classification: Pathogenic for TH-deficient dopa-responsive dystonia. Last evaluated: 2023-08-11. Review status: criteria provided, single submitter. Criteria: Invitae Variant Classification Sherloc (09022015). Collection method: clinical testing. Allele origin: germline.
Comment: This variant has not been reported in the literature in individuals affected with TH-related conditions. This sequence change creates a premature translational stop signal (p.Trp196*) in the TH gene. It is expected to result in an absent or disrupted protein product. Loss-of-function variants in TH are known to be pathogenic (PMID: 22264700, 24753243). This variant is not present in population databases (gnomAD no frequency). Algorithms developed to predict the effect of sequence changes on RNA splicing suggest that this variant may create or strengthen a splice site. For these reasons, this variant has been classified as Pathogenic.

Literature cited by the submitters: PubMed 22264700; PubMed 24753243.